The following is an entry in ClinVar:

NM_003070.5(SMARCA2):c.2806A>G (p.Arg936Gly)

Gene: SMARCA2 (SWI/SNF related BAF chromatin remodeling complex subunit ATPase 2; plus strand). Cytogenetic location: 9p24.3.
Variant type: single nucleotide variant.
Coding change: c.2806A>G on transcript NM_003070.5 (MANE Select); coding-DNA position 2806, A replaced by G.
Protein change: p.Arg936Gly; replaces arginine 936 with glycine.
Molecular consequence: missense variant.
Genome position (GRCh38, 1-based): chr9:2,088,536, A>G. VCF-style: chr9-2088536-A-G. GRCh37 (hg19) VCF-style: chr9-2088536-A-G.
Other names: c.2806A>G, p.Arg936Gly (NM_001289396.2, NM_139045.4); c.2632A>G, p.Arg878Gly (NM_001289397.2); short protein forms R878G, R936G.
Identifiers: ClinVar variation 3369900 (VCV003369900.1).

ClinVar aggregate classification (germline): Uncertain significance (1 of 4 stars; one submission).

Submission:

GeneDx
Classification: Uncertain significance. Last evaluated: 2024-02-26. Review status: criteria provided, single submitter. Criteria: GeneDx Variant Classification Process June 2021. Collection method: clinical testing. Allele origin: germline. Affected: yes.
Comment: Not observed at significant frequency in large population cohorts (gnomAD); In silico analysis supports that this missense variant has a deleterious effect on protein structure/function; Has not been previously published as pathogenic or benign to our knowledge